The following is an entry in ClinVar:

ClinVar aggregate classification (germline): Uncertain significance. Review status: criteria provided, multiple submitters, no conflicts (2 of 4 stars). 5 submissions from 5 submitters: Uncertain significance (5). Last evaluated 2026-04-16.

Conditions:
CHEK2-related cancer predisposition (TPDS4). Also called: TUMOR PREDISPOSITION SYNDROME 4; CANCER PREDISPOSITION SYNDROME, CHEK2-RELATED; CHEK2-related cancer susceptibility. Identifiers: Orphanet 524, MedGen C5882668, MONDO:0700271, OMIM 609265.
Familial cancer of breast. Also called: hereditary breast carcinoma; Hereditary breast cancer; BREAST CANCER, FAMILIAL. Identifiers: Orphanet 227535, MedGen C0346153, MONDO:0016419, OMIM 114480. Disease mechanism: loss of function.
Hereditary cancer-predisposing syndrome. Also called: Hereditary Cancer Syndrome; Tumor predisposition; Hereditary neoplastic syndrome; Neoplastic Syndromes, Hereditary. Identifiers: Orphanet 140162, MedGen C0027672, MeSH D009386, MONDO:0015356.

Allele frequency attached by ClinVar (database versions not stated): ExAC 0.00001; gnomAD exomes 0.00001.
gnomAD v4.1: 2 of 1,593,580 alleles (0.00013%); highest among the groups gnomAD compares: Admixed American, 0.0017%; no homozygotes.

Submissions (6):

Hema, HEMA – Genetic and Molecular Diagnostic Laboratory
Classification: Uncertain significance for CHEK2-related cancer predisposition. Last evaluated: 2026-04-16. Review status: criteria provided, single submitter. Criteria: HEMA Variant Classification Assertion Criteria. Collection method: clinical testing. Allele origin: germline.
Comment: The c.1375G>C p.(Ala459Pro) variant is a transversion from cytosine to guanine, resulting in the substitution of alanine 459 by proline. PM2_Supporting: Present at very low frequency in the gnomAD v4.1.1 database. PP3: According to the splicing predictor SpliceAI, the variant affects splicing (loss of acceptor score = 0.57 ≥ 0.2 and loss of donor score = 0.38 ≥ 0.2). Studies of RNA have shown that this variant, located at the last nucleotide of exon 12, results in a partial splicing defect or "leaky splicing" (PMID: 33011440). In approximately 25% of the transcripts produced by the variant allele, exon 12 skipping occurs, resulting in a premature stop codon and nonsense-mediated decay (NMD) of the transcript. However, the remaining 75% correspond to complete transcripts that encode the CHEK2 p.(Ala459Pro) protein. In the absence of an Expert Panel or other clinical reference to establish the levels of transcript loss sufficient to cause pathogenic loss of function of CHEK2, the PVS1_Variable (RNA) criterion is not applied at any strength level. On the other hand, the mutated CHEK2 p.(Ala459Pro) protein was found to be functional and with conserved intracellular localization in autophosphorylation and substrate phosphorylation assays (PMID: 37449874). Since the clinical impact of the partial reduction in overall gene dosage cannot be ruled out, the BS3 criterion cannot be applied.

Ambry Genetics
Classification: Uncertain significance for Hereditary cancer-predisposing syndrome. Last evaluated: 2025-11-04. Review status: criteria provided, single submitter. Criteria: Ambry Variant Classification Scheme 2023. Collection method: clinical testing. Allele origin: germline.
Comment: The p.A459P variant (also known as c.1375G>C), located in coding exon 11 of the CHEK2 gene, results from a G to C substitution at nucleotide position 1375. The alanine at codon 459 is replaced by proline, an amino acid with highly similar properties. However, this change occurs in the last base pair of coding exon 11, which makes it likely to have some effect on normal mRNA splicing. This alteration was reported as functional in a study assessing CHEK2-complementation through quantification of KAP1 phosphorylation and CHK2 autophosphorylation in human RPE1-CHEK2-knockout cells (Stolarova L et al. Clin Cancer Res. 2023 Aug;29(16):3037-3050). This nucleotide position is highly conserved in available vertebrate species. This amino acid position is highly conserved in available vertebrate species. In silico splice site analysis predicts that this alteration may weaken the native splice donor site. RNA studies have demonstrated that this alteration does not result in abnormal splicing in the set of samples tested (Ambry internal data). In addition, as a missense substitution, this alteration is predicted to be deleterious by in silico analysis. Based on the available evidence, the clinical significance of this variant remains unclear.

Labcorp Genetics (formerly Invitae), Labcorp
Classification: Uncertain significance for Familial cancer of breast. Last evaluated: 2025-07-31. Review status: criteria provided, single submitter. Criteria: Invitae Variant Classification Sherloc (09022015). Collection method: clinical testing. Allele origin: germline.
Comment: This sequence change replaces alanine, which is neutral and non-polar, with proline, which is neutral and non-polar, at codon 459 of the CHEK2 protein (p.Ala459Pro). This variant also falls at the last nucleotide of exon 12, which is part of the consensus splice site for this exon. This variant is present in population databases (rs769729382, gnomAD 0.003%). This missense change has been observed in individual(s) with breast cancer, neuroblastoma, and/or prostate cancer (PMID: 32906215, 33011440). ClinVar contains an entry for this variant (Variation ID: 229847). An algorithm developed to predict the effect of missense changes on protein structure and function (PolyPhen-2) suggests that this variant is likely to be disruptive. Variants that disrupt the consensus splice site are a relatively common cause of aberrant splicing (PMID: 17576681, 9536098). Studies have shown that this missense change is associated with altered splicing resulting in multiple RNA products (internal data). In summary, the available evidence is currently insufficient to determine the role of this variant in disease. Therefore, it has been classified as a Variant of Uncertain Significance.

Color Diagnostics, LLC DBA Color Health
Classification: Uncertain significance for Hereditary cancer-predisposing syndrome. Last evaluated: 2025-06-19. Review status: criteria provided, single submitter. Criteria: ACMG Guidelines, 2015. Collection method: clinical testing. Allele origin: germline.
Comment: This missense variant replaces alanine with proline at codon 459 of the CHEK2 protein. Computational prediction is inconclusive regarding the impact of this variant on protein structure and function. A protein functional study has shown this variant to have neutral impact on CHEK2 function (PMID: 37449874). This variant alters the conserved last c.G nucleotide in exon 11 and is predicted to affect RNA splicing. Multiple RNA studies have reported normal splicing (ClinVar SCV000273198.9), altered splicing resulting in multiple RNA products (ClinVar SCV000819614.7), and a production of aberrant transcript at low levels compared with the full-length transcript from the variant allele (PMID: 33011440). This variant has been observed in an individual with neurofibroma (PMID: 33011440), in an individual with breast cancer and prostate cancer (PMID: 33011440), and in an individual with unspecified hereditary cancer (PMID: 32906215). This variant has been identified in 2/250942 chromosomes in the general population by the Genome Aggregation Database (gnomAD). The available evidence is insufficient to determine the role of this variant in disease conclusively. Therefore, this variant is classified as a Variant of Uncertain Significance.

Baylor Genetics
Classification: Uncertain significance for Familial cancer of breast. Last evaluated: 2024-02-26. Review status: criteria provided, single submitter. Criteria: ACMG Guidelines, 2015. Collection method: clinical testing. Allele origin: unknown.

Dr. Peter K. Rogan Lab, Western University
No classification provided (evidence only). Condition: Familial cancer of breast. Review status: no classification provided. Collection method: in vitro. Allele origin: not applicable. Functional consequence: retained intron. Not counted in ClinVar's aggregate classification.

Literature cited by the submitters: PubMed 33011440 (cited by 3 submitters); PubMed 37449874 (cited by 3 submitters); PubMed 32906215 (cited by Labcorp Genetics (formerly Invitae), Labcorp and Color Diagnostics, LLC DBA Color Health); PubMed 17576681 (cited by Labcorp Genetics (formerly Invitae), Labcorp); PubMed 9536098 (cited by Labcorp Genetics (formerly Invitae), Labcorp).

NM_007194.4(CHEK2):c.1375G>C (p.Ala459Pro)

Gene: CHEK2 (checkpoint kinase 2; minus strand). Cytogenetic location: 22q12.1.
Variant type: single nucleotide variant.
Coding change: c.1375G>C on transcript NM_007194.4 (MANE Select); coding-DNA position 1375, G replaced by C.
Protein change: p.Ala459Pro; replaces alanine 459 with proline.
Molecular consequence: missense variant.
Genome position (GRCh38, 1-based): chr22:28,695,127, C>G on the plus strand (G>C on the coding strand, the complement: CHEK2 is on the minus strand). VCF-style: chr22-28695127-C-G. GRCh37 (hg19) VCF-style: chr22-29091115-C-G.
Other names: c.712G>C, p.Ala238Pro (NM_001257387.3); c.1174G>C, p.Ala392Pro (NM_001349956.3); c.1288G>C, p.Ala430Pro (NM_145862.3); c.1504G>C, p.Ala502Pro (NM_001005735.3); short protein forms A459P, A392P, A430P, A238P, A502P.
Identifiers: ClinVar variation 229847 (VCV000229847.25), dbSNP rs769729382, ClinGen allele CA10167672.